The following is an entry in ClinVar:

ClinVar aggregate classification (germline): Uncertain significance (1 of 4 stars; one submission).

Conditions:
Dilated cardiomyopathy 1DD (CMD1DD). Identifiers: Orphanet 154, MedGen C2750995, MONDO:0013168, OMIM 613172.

Submission:

Labcorp Genetics (formerly Invitae), Labcorp
Classification: Uncertain significance for Dilated cardiomyopathy 1DD. Last evaluated: 2024-11-21. Review status: criteria provided, single submitter. Criteria: Invitae Variant Classification Sherloc (09022015). Collection method: clinical testing. Allele origin: germline.
Comment: This sequence change replaces proline, which is neutral and non-polar, with arginine, which is basic and polar, at codon 1049 of the RBM20 protein (p.Pro1049Arg). This variant is not present in population databases (gnomAD no frequency). This variant has not been reported in the literature in individuals affected with RBM20-related conditions. Invitae Evidence Modeling of protein sequence and biophysical properties (such as structural, functional, and spatial information, amino acid conservation, physicochemical variation, residue mobility, and thermodynamic stability) indicates that this missense variant is not expected to disrupt RBM20 protein function with a negative predictive value of 95%. In summary, the available evidence is currently insufficient to determine the role of this variant in disease. Therefore, it has been classified as a Variant of Uncertain Significance.

NM_001134363.3(RBM20):c.3146C>G (p.Pro1049Arg)

Gene: RBM20 (RNA binding motif protein 20; plus strand). Cytogenetic location: 10q25.2.
Variant type: single nucleotide variant.
Coding change: c.3146C>G on transcript NM_001134363.3 (MANE Select); coding-DNA position 3146, C replaced by G.
Protein change: p.Pro1049Arg; replaces proline 1049 with arginine.
Molecular consequence: missense variant.
Genome position (GRCh38, 1-based): chr10:110,821,765, C>G. VCF-style: chr10-110821765-C-G. GRCh37 (hg19) VCF-style: chr10-112581523-C-G.
Other names: short protein forms P1049R.
Identifiers: ClinVar variation 3636979 (VCV003636979.2).